The following is an entry in ClinVar:

ClinVar aggregate classification (germline): Uncertain significance (1 of 4 stars; one submission).

Conditions:
Tuberous sclerosis syndrome (TSC). Also called: Tuberous Sclerosis Complex; Tuberous sclerosis. Identifiers: Orphanet 805, MedGen C0041341, MONDO:0001734.

Submission:

All of Us Research Program, National Institutes of Health
Classification: Uncertain significance for Tuberous sclerosis syndrome. Last evaluated: 2023-06-08. Review status: criteria provided, single submitter. Criteria: ACMG Guidelines, 2015. Collection method: clinical testing. Allele origin: germline. Inheritance: Autosomal dominant inheritance. Observed: 1 variant allele, 1 heterozygote.
Comment: This variant causes a G to C nucleotide substitution at the +6 position of intron 17 of the TSC2 gene. Splice site prediction tools suggest that this variant may not impact RNA splicing. To our knowledge, functional studies have not been reported for this variant. This variant has not been reported in individuals affected with TSC2-related disorders in the literature. This variant has not been identified in the general population by the Genome Aggregation Database (gnomAD). The available evidence is insufficient to determine the role of this variant in disease conclusively. Therefore, this variant is classified as a Variant of Uncertain Significance.

This study involves interpretation of variants in research participants for the purpose of population health screening. Participant phenotype was not available at the time of variant classification. Additional details can be found in publication PMID: 35346344, PMCID: PMC8962531

NM_000548.5(TSC2):c.1839+6G>C

Gene: TSC2 (TSC complex subunit 2; plus strand). Cytogenetic location: 16p13.3.
Variant type: single nucleotide variant.
Coding change: c.1839+6G>C on transcript NM_000548.5 (MANE Select); 6 bases into the intron after coding-DNA position 1839, G replaced by C.
Molecular consequence: intron variant.
Genome position (GRCh38, 1-based): chr16:2,070,584, G>C. VCF-style: chr16-2070584-G-C. GRCh37 (hg19) VCF-style: chr16-2120585-G-C.
Other names: c.495+6G>C (NM_001406693.1, NM_001406689.1, NM_001406690.1 and 6 more transcripts); c.1929+6G>C (NM_001406667.1, NM_001406668.1); c.1239+6G>C (NM_001406680.1, NM_001406683.1, NM_001406687.1 and 6 more transcripts); c.237+6G>C (NM_001406698.1); c.1839+6G>C (NM_001114382.3, NM_001406663.1, NM_001406664.1 and 6 more transcripts); c.1827+6G>C (NM_001406671.1, NM_001406673.1); c.1377+6G>C (NM_001406681.1); c.1728+6G>C (NM_001406670.1, NM_001318827.2, NM_001406678.1); and 3 more.
Identifiers: ClinVar variation 3071641 (VCV003071641.1), dbSNP rs45517204, ClinGen allele CA2581244018.